The following is an entry in ClinVar:

NM_001953.5(TYMP):c.665A>G (p.Lys222Arg)

Gene: TYMP (thymidine phosphorylase; minus strand). Cytogenetic location: 22q13.33.
Variant type: single nucleotide variant.
Coding change: c.665A>G on transcript NM_001953.5 (MANE Select); coding-DNA position 665, A replaced by G.
Protein change: p.Lys222Arg; replaces lysine 222 with arginine.
Molecular consequence: missense variant.
Genome position (GRCh38, 1-based): chr22:50,527,265, T>C on the plus strand (A>G on the coding strand, the complement: TYMP is on the minus strand). VCF-style: chr22-50527265-T-C. GRCh37 (hg19) VCF-style: chr22-50965694-T-C.
Other names: Lys>Arg; c.665A>G, p.Lys222Arg (LRG_727t1, LRG_727t2, NM_001113755.3 and 3 more transcripts); c.665A>G (NM_001953.4); short protein forms K222R.
Identifiers: ClinVar variation 16656 (VCV000016656.12), dbSNP rs149977726, ClinGen allele CA126768.

ClinVar aggregate classification (germline): Likely pathogenic. Review status: criteria provided, multiple submitters, no conflicts (2 of 4 stars). 5 submissions from 5 submitters: Likely pathogenic (3). 2 of the submissions do not count toward it. Last evaluated 2025-09-10.

Conditions:
Mitochondrial neurogastrointestinal encephalomyopathy. Also called: Mitochondrial neurogastrointestinal encephalopathy syndrome; MNGIE syndrome; Thymidine phosphorylase deficiency. Identifiers: Orphanet 298, MedGen C0872218, MONDO:0017575.
Mitochondrial DNA depletion syndrome 1. Also called: Mitochondrial neurogastrointestinal encephalomyopathy syndrome; Mitochondrial DNA depletion syndrome 1 (MNGIE type); Mitochondrial DNA Depletion Syndrome, MNGIE Form; POLIP SYNDROME; POLYNEUROPATHY, OPHTHALMOPLEGIA, LEUKOENCEPHALOPATHY, AND INTESTINAL PSEUDOOBSTRUCTION; Mitochondrial Neurogastrointestinal Encephalopathy Disease. Identifiers: Orphanet 298, MedGen C4551995, MONDO:0011283, OMIM 603041.

Allele frequency attached by ClinVar (database versions not stated): gnomAD exomes below 0.00001 and 0.00001; ESP Exome Variant Server 0.00015; ExAC 0.00003; TOPMed 0.00007; gnomAD 0.00009 and 0.00010.
gnomAD v4.1: 19 of 1,613,446 alleles (0.0012%); highest among the groups gnomAD compares: African/African-American, 0.025%; no homozygotes.

Submissions (5):

Natera, Inc.
Classification: Likely pathogenic for Mitochondrial neurogastrointestinal encephalomyopathy. Last evaluated: 2025-09-10. Review status: criteria provided, single submitter. Criteria: Natera Variant Classification Schema (03/2026). Collection method: clinical testing. Allele origin: germline.
Comment: The c.665A>G variant in TYMP is a missense variant predicted to cause substitution of lysine to arginine at amino acid 222. This variant is rare in the general population with a frequency below the threshold expected for the associated phenotype(s). This variant has been observed in one or more individuals affected with the associated recessive disease, as either homozygous or compound heterozygous with a second variant (PMID: 14720311, 14720311). Additionally, this variant has been observed to segregate in affected family members (PMID: 14720311). Computational prediction algorithms indicate this variant is likely to affect gene or protein function. Given the available evidence, this variant is classified as Likely Pathogenic.

Labcorp Genetics (formerly Invitae), Labcorp
Classification: Likely pathogenic. Last evaluated: 2025-02-11. Review status: criteria provided, single submitter. Criteria: Invitae Variant Classification Sherloc (09022015). Collection method: clinical testing. Allele origin: germline.
Comment: This sequence change replaces lysine, which is basic and polar, with arginine, which is basic and polar, at codon 222 of the TYMP protein (p.Lys222Arg). This variant is present in population databases (rs149977726, gnomAD 0.03%). This missense change has been observed in individual(s) with mitochondrial neurogastrointestinal encephalopathy (PMID: 9924029). This variant is also known as A2744G. ClinVar contains an entry for this variant (Variation ID: 16656). Invitae Evidence Modeling of protein sequence and biophysical properties (such as structural, functional, and spatial information, amino acid conservation, physicochemical variation, residue mobility, and thermodynamic stability) indicates that this missense variant is expected to disrupt TYMP protein function with a positive predictive value of 95%. In summary, the currently available evidence indicates that the variant is pathogenic, but additional data are needed to prove that conclusively. Therefore, this variant has been classified as Likely Pathogenic.

GeneDx
Classification: Likely pathogenic. Last evaluated: 2016-09-09. Review status: criteria provided, single submitter. Criteria: GeneDx Variant Classification (06012015). Collection method: clinical testing. Allele origin: germline. Affected: yes.
Comment: The K222R variant in the TYMP gene has previously been reported association with mitochondrial neurogastrointestinal encephalomyopathy (MNGIE) syndrome in an individual who was also heterozygous for frameshift variant in TYMP although the phase of these variants was not determined (Giordano et al., 2008). The K222R variant was not observed at any significant frequency in approximately 6,500 individuals of European and African American ancestry in the NHLBI Exome Sequencing Project, indicating it is not a common benign variant in these populations. The K222R variant is a conservative amino acid substitution, which is not likely to impact secondary protein structure as these residues share similar properties. This substitution occurs at a position that is conserved across species and is predicted to be involved in phosphate binding within the activite site of the thymidine phosphorylase enzyme (Nishino et al., 1999; Pugmire et al., 1998). Additionally, in silico analysis predicts this variant is probably damaging to the protein structure/function. Therefore, this variant is likely pathogenic; however, the possibility that it is benign cannot be excluded.

GeneReviews
Classification: Pathogenic for Mitochondrial DNA depletion syndrome 1. Last evaluated: 2016-01-14. Review status: no assertion criteria provided. Collection method: literature only. Allele origin: germline. Affected: yes. Not counted in ClinVar's aggregate classification.

OMIM
Classification: Pathogenic for MITOCHONDRIAL DNA DEPLETION SYNDROME 1 (MNGIE TYPE). Last evaluated: 2000-06-01. Review status: no assertion criteria provided. Collection method: literature only. Allele origin: germline. Not counted in ClinVar's aggregate classification.

Literature cited by the submitters: PubMed 14720311 (cited by Natera, Inc.); PubMed 9924029 (cited by 3 submitters); PubMed 10852545 (cited by OMIM).